The following is an entry in ClinVar:

ClinVar aggregate classification (germline): Likely benign. Review status: criteria provided, multiple submitters, no conflicts (2 of 4 stars). 2 submissions from 2 submitters: Likely benign (2). Last evaluated 2025-03-11.

Conditions:
Hereditary cancer-predisposing syndrome. Also called: Hereditary Cancer Syndrome; Hereditary neoplastic syndrome; Tumor predisposition; Neoplastic Syndromes, Hereditary. Identifiers: Orphanet 140162, MedGen C0027672, MeSH D009386, MONDO:0015356.

Submissions (2):

Ambry Genetics
Classification: Likely benign for Hereditary cancer-predisposing syndrome. Last evaluated: 2025-03-11. Review status: criteria provided, single submitter. Criteria: Ambry Variant Classification Scheme 2023. Collection method: clinical testing. Allele origin: germline.

University of Washington Department of Laboratory Medicine, University of Washington
Classification: Likely benign for Hereditary cancer-predisposing syndrome. Last evaluated: 2023-03-23. Review status: criteria provided, single submitter. Criteria: Dines et al. (Genet Med. 2020). Collection method: curation. Allele origin: germline.
Comment: Missense variant in a coldspot region where missense variants are very unlikely to be pathogenic (PMID:31911673).

BRCA2 exon 11 coldspot. Reclassification based on statistical prior probability.

Literature cited by the submitters: PubMed 39062721 (cited by Ambry Genetics).

NM_000059.4(BRCA2):c.2523A>T (p.Arg841Ser)

Gene: BRCA2 (BRCA2 DNA repair associated; plus strand). Cytogenetic location: 13q13.1.
Variant type: single nucleotide variant.
Coding change: c.2523A>T on transcript NM_000059.4 (MANE Select); coding-DNA position 2523, A replaced by T.
Protein change: p.Arg841Ser; replaces arginine 841 with serine.
Molecular consequence: missense variant.
Genome position (GRCh38, 1-based): chr13:32,336,878, A>T. VCF-style: chr13-32336878-A-T. GRCh37 (hg19) VCF-style: chr13-32911015-A-T.
Other names: c.2523A>T, p.Arg841Ser (NM_001406719.1, NM_001406720.1); short protein forms R841S.
Identifiers: ClinVar variation 1792567 (VCV001792567.5), dbSNP rs2137487360, ClinGen allele CA387772472.